The following is an entry in ClinVar:

NM_001164508.2(NEB):c.9360G>A (p.Leu3120=)

Gene: NEB (nebulin; minus strand). Cytogenetic location: 2q23.3.
Variant type: single nucleotide variant.
Coding change: c.9360G>A on transcript NM_001164508.2 (MANE Select); coding-DNA position 9360, G replaced by A.
Protein change: p.Leu3120=; no amino-acid change (leucine 3120 retained).
Molecular consequence: synonymous variant. On other transcripts: intron variant (1).
Genome position (GRCh38, 1-based): chr2:151,633,708, C>T on the plus strand (G>A on the coding strand, the complement: NEB is on the minus strand). VCF-style: chr2-151633708-C-T. GRCh37 (hg19) VCF-style: chr2-152490222-C-T.
Other names: c.9360G>A, p.Leu3120= (NM_001164507.2, NM_001271208.2); c.8854-2530G>A (NM_004543.5).
Identifiers: ClinVar variation 705541 (VCV000705541.12), dbSNP rs749865900, ClinGen allele CA1909352.

ClinVar aggregate classification (germline): Likely benign. Review status: criteria provided, single submitter (1 of 4 stars). 2 submissions from 2 submitters: Likely benign (1). 1 of the submissions does not count toward it. Last evaluated 2025-12-31.

Conditions:
NEB-related disorder. Also called: NEB-related condition; NEB-Related Disorders.
Nemaline myopathy 2 (NEM2). Also called: Nemaline myopathy 2, autosomal recessive. Identifiers: MedGen C1850569, MONDO:0009725, OMIM 256030.

Allele frequency attached by ClinVar (database versions not stated): ExAC 0.00001; gnomAD exomes 0.00003 and 0.00009; gnomAD 0.00006; TOPMed 0.00006.
gnomAD v4.1: 142 of 1,613,868 alleles (0.0088%); highest among the groups gnomAD compares: Non-Finnish European, 0.011%; no homozygotes.

Submissions (2):

Labcorp Genetics (formerly Invitae), Labcorp
Classification: Likely benign for Nemaline myopathy 2. Last evaluated: 2025-12-31. Review status: criteria provided, single submitter. Criteria: Invitae Variant Classification Sherloc (09022015). Collection method: clinical testing. Allele origin: germline.

PreventionGenetics, part of Exact Sciences
Classification: Likely benign for NEB-related condition. Last evaluated: 2019-03-12. Review status: no assertion criteria provided. Collection method: clinical testing. Allele origin: germline. Not counted in ClinVar's aggregate classification.
Comment: This variant is classified as likely benign based on ACMG/AMP sequence variant interpretation guidelines (Richards et al. 2015 PMID: 25741868, with internal and published modifications).